The following is an entry in ClinVar:

ClinVar aggregate classification (germline): Uncertain significance (1 of 4 stars; one submission).

Conditions:
Charcot-Marie-Tooth disease dominant intermediate D. Also called: CHARCOT-MARIE-TOOTH NEUROPATHY, DOMINANT INTERMEDIATE D; Charcot-Marie-Tooth disease dominant intermediate 3; CMT DI3. Identifiers: Orphanet 100046, MedGen C1843075, MONDO:0011909, OMIM 607791.

Submission:

Institute of Human Genetics, Cologne University
Classification: Uncertain significance for Charcot-Marie-Tooth disease dominant intermediate D. Last evaluated: 2020-03-27. Review status: criteria provided, single submitter. Criteria: ACMG Guidelines, 2015. Collection method: clinical testing. Allele origin: germline. Inheritance: Autosomal dominant inheritance. Affected: yes.
Comment: ACMG-Criteria PM2, PM5, PP3.

NM_000530.8(MPZ):c.103G>C (p.Asp35His)

Gene: MPZ (myelin protein zero; minus strand). Cytogenetic location: 1q23.3.
Variant type: single nucleotide variant.
Coding change: c.103G>C on transcript NM_000530.8 (MANE Select); coding-DNA position 103, G replaced by C.
Protein change: p.Asp35His; replaces aspartic acid 35 with histidine.
Molecular consequence: missense variant.
Genome position (GRCh38, 1-based): chr1:161,307,389, C>G on the plus strand (G>C on the coding strand, the complement: MPZ is on the minus strand). VCF-style: chr1-161307389-C-G. GRCh37 (hg19) VCF-style: chr1-161277179-C-G.
Other names: c.103G>C, p.Asp35His (NM_001315491.2); short protein forms D35H.
Identifiers: ClinVar variation 932295 (VCV000932295.1), dbSNP rs121913596, ClinGen allele CA343351538.
Genomic context (GRCh38, chr1:161,307,389, plus strand): 5'-TGGACCAGAAGGAGCAGTGCAGGGTCACCCGGGAGCCCACAGCACCATGGACCTCCCTGT[C>G]GGTGTAAACCACGATGGCCTGGGCCGGGGACAGCACTGCAAGCACAAAGTGGGGAATCAG-3'
Protein context (NP_000521.2, residues 25-45): SPAQAIVVYT[Asp35His]REVHGAVGSR